The following is an entry in ClinVar:

NM_000419.5(ITGA2B):c.1531A>G (p.Thr511Ala)

Gene: ITGA2B (integrin subunit alpha 2b; minus strand). Cytogenetic location: 17q21.31.
Variant type: single nucleotide variant.
Coding change: c.1531A>G on transcript NM_000419.5 (MANE Select); coding-DNA position 1531, A replaced by G.
Protein change: p.Thr511Ala; replaces threonine 511 with alanine.
Molecular consequence: missense variant.
Genome position (GRCh38, 1-based): chr17:44,380,399, T>C on the plus strand (A>G on the coding strand, the complement: ITGA2B is on the minus strand). VCF-style: chr17-44380399-T-C. GRCh37 (hg19) VCF-style: chr17-42457767-T-C.
Other names: c.1531A>G (NM_000419.4); short protein forms T511A.
Identifiers: ClinVar variation 3709608 (VCV003709608.3).
Genomic context (GRCh38, chr17:44,380,399, plus strand): 5'-TTCTGAGGTCCCAGATCCTTTAAGGCCCATGCCCTCTGCCTCCTCACCAGCTCACGGGTG[T>C]CTTGGTCTGAGGTAGGACACAGCTCTTCACAGCAGGATTCAGTGAATCTTGCACCAGTAG-3'
Protein context (NP_000410.2, residues 501-521): VKSCVLPQTK[Thr511Ala]PVSCFNIQMC

ClinVar aggregate classification (germline): Uncertain significance. Review status: criteria provided, multiple submitters, no conflicts (2 of 4 stars). 2 submissions from 2 submitters: Uncertain significance (2). Last evaluated 2025-03-14.

Conditions:
ITGA2B-related disorder. Also called: ITGA2B-related condition; ITGA2B-related disorders.
Glanzmann thrombasthenia. Also called: THROMBASTHENIA OF GLANZMANN AND NAEGELI; Thrombasthenia; PLATELET GLYCOPROTEIN IIb-IIIa DEFICIENCY; Glanzmann's thrombasthenia. Identifiers: Orphanet 849, MedGen C0040015, MONDO:0100326.

gnomAD v4.1: 8 of 1,613,962 alleles (0.0005%); highest among the groups gnomAD compares: Non-Finnish European, 0.00059%; no homozygotes.

Submissions (2):

PreventionGenetics, part of Exact Sciences
Classification: Uncertain significance for ITGA2B-related condition. Last evaluated: 2025-03-14. Review status: criteria provided, single submitter. Criteria: ACMG Guidelines, 2015. Collection method: clinical testing. Allele origin: germline.
Comment: The ITGA2B c.1531A>G variant is predicted to result in the amino acid substitution p.Thr511Ala. To our knowledge, this variant has not been reported in the literature. This variant is reported in 0.0065% of alleles in individuals of European (Non-Finnish) descent in gnomAD. At this time, the clinical significance of this variant is uncertain due to the absence of conclusive functional and genetic evidence.

Labcorp Genetics (formerly Invitae), Labcorp
Classification: Uncertain significance for Glanzmann thrombasthenia. Last evaluated: 2024-04-19. Review status: criteria provided, single submitter. Criteria: Invitae Variant Classification Sherloc (09022015). Collection method: clinical testing. Allele origin: germline.
Comment: This sequence change replaces threonine, which is neutral and polar, with alanine, which is neutral and non-polar, at codon 511 of the ITGA2B protein (p.Thr511Ala). This variant is present in population databases (rs372778024, gnomAD 0.007%). This variant has not been reported in the literature in individuals affected with ITGA2B-related conditions. Algorithms developed to predict the effect of missense changes on protein structure and function output the following: SIFT: "Not Available"; PolyPhen-2: "Benign"; Align-GVGD: "Not Available". The alanine amino acid residue is found in multiple mammalian species, which suggests that this missense change does not adversely affect protein function. In summary, the available evidence is currently insufficient to determine the role of this variant in disease. Therefore, it has been classified as a Variant of Uncertain Significance.